The following is an entry in ClinVar:

NM_004744.5(LRAT):c.649C>T (p.Leu217Phe)

Gene: LRAT (lecithin retinol acyltransferase; plus strand). Cytogenetic location: 4q32.1.
Variant type: single nucleotide variant.
Coding change: c.649C>T on transcript NM_004744.5 (MANE Select); coding-DNA position 649, C replaced by T.
Protein change: p.Leu217Phe; replaces leucine 217 with phenylalanine.
Molecular consequence: missense variant.
Genome position (GRCh38, 1-based): chr4:154,749,092, C>T. VCF-style: chr4-154749092-C-T. GRCh37 (hg19) VCF-style: chr4-155670244-C-T.
Other names: c.649C>T, p.Leu217Phe (NM_001301645.2); short protein forms L217F.
Identifiers: ClinVar variation 2184678 (VCV002184678.1), dbSNP rs753271489, ClinGen allele CA3115924.

ClinVar aggregate classification (germline): Uncertain significance (1 of 4 stars; one submission).

Allele frequency attached by ClinVar (database versions not stated): ExAC 0.00001; gnomAD exomes 0.00001; TOPMed 0.00001; gnomAD 0.00002.
gnomAD v4.1: 10 of 1,613,712 alleles (0.00062%); highest among the groups gnomAD compares: African/African-American, 0.0013%; no homozygotes.

Submission:

Labcorp Genetics (formerly Invitae), Labcorp
Classification: Uncertain significance. Last evaluated: 2022-10-13. Review status: criteria provided, single submitter. Criteria: Invitae Variant Classification Sherloc (09022015). Collection method: clinical testing. Allele origin: germline.
Comment: This sequence change replaces leucine, which is neutral and non-polar, with phenylalanine, which is neutral and non-polar, at codon 217 of the LRAT protein (p.Leu217Phe). This variant is present in population databases (rs753271489, gnomAD 0.007%). This variant has not been reported in the literature in individuals affected with LRAT-related conditions. Algorithms developed to predict the effect of missense changes on protein structure and function output the following: SIFT: "Tolerated"; PolyPhen-2: "Benign"; Align-GVGD: "Class C0". The phenylalanine amino acid residue is found in multiple mammalian species, which suggests that this missense change does not adversely affect protein function. In summary, the available evidence is currently insufficient to determine the role of this variant in disease. Therefore, it has been classified as a Variant of Uncertain Significance.